The following is an entry in ClinVar:

NM_198253.3(TERT):c.2708C>T (p.Thr903Ile)

Gene: TERT (telomerase reverse transcriptase; minus strand). Cytogenetic location: 5p15.33.
Variant type: single nucleotide variant.
Coding change: c.2708C>T on transcript NM_198253.3 (MANE Select); coding-DNA position 2708, C replaced by T.
Protein change: p.Thr903Ile; replaces threonine 903 with isoleucine.
Molecular consequence: missense variant. On other transcripts: intron variant (1).
Genome position (GRCh38, 1-based): chr5:1,264,539, G>A on the plus strand (C>T on the coding strand, the complement: TERT is on the minus strand). VCF-style: chr5-1264539-G-A. GRCh37 (hg19) VCF-style: chr5-1264654-G-A.
Other names: c.2654+1925C>T (NM_001193376.3); short protein forms T903I.
Identifiers: ClinVar variation 179784 (VCV000179784.6), dbSNP rs727505125, ClinGen allele CA185126.
Genomic context (GRCh38, chr5:1,264,539, plus strand): 5'-GGCATCTGAACAAAAGCCGTGCCACCCAGGGCCTCGTCTTCTACAGGGAAGTTCACCACT[G>A]TCTTCCGCAAGTTCACCACGCAGCCATACTCAGGGACACCTCGGACCAGGGTCCTAAGGC-3'
Protein context (NP_937983.2, residues 893-913): EYGCVVNLRK[Thr903Ile]VVNFPVEDEA

ClinVar aggregate classification (germline): Uncertain significance. Review status: criteria provided, multiple submitters, no conflicts (2 of 4 stars). 2 submissions from 2 submitters: Uncertain significance (2). Last evaluated 2023-05-19.

Conditions:
Dyskeratosis congenita. Identifiers: Orphanet 1775, MedGen C0265965, MONDO:0015780.

Submissions (2):

Ambry Genetics
Classification: Uncertain significance for Dyskeratosis congenita. Last evaluated: 2023-05-19. Review status: criteria provided, single submitter. Criteria: Ambry Variant Classification Scheme 2023. Collection method: clinical testing. Allele origin: germline.
Comment: The p.T903I variant (also known as c.2708C>T), located in coding exon 11 of the TERT gene, results from a C to T substitution at nucleotide position 2708. The threonine at codon 903 is replaced by isoleucine, an amino acid with similar properties. This amino acid position is conserved. In addition, the in silico prediction for this alteration is inconclusive. Since supporting evidence is limited at this time, the clinical significance of this alteration remains unclear.

Laboratory for Molecular Medicine, Mass General Brigham Personalized Medicine
Classification: Uncertain significance. Last evaluated: 2014-06-05. Review status: criteria provided, single submitter. Criteria: LMM Criteria. Collection method: clinical testing. Allele origin: germline. Observed: 1 variant allele.
Comment: The Thr903Ile variant in TERT has not been previously identified in individuals with pulmonary disease or in large population studies. Computational prediction tools and evolutionary conservation analysis do not provide strong support for o r against an impact to the protein. In summary, additional information is needed to fully assess the clinical significance of the Thr903Ile variant.